The following is an entry in ClinVar:

NM_004360.5(CDH1):c.2236G>T (p.Asp746Tyr)

Gene: CDH1 (cadherin 1; plus strand). Cytogenetic location: 16q22.1.
Variant type: single nucleotide variant.
Coding change: c.2236G>T on transcript NM_004360.5 (MANE Select); coding-DNA position 2236, G replaced by T.
Protein change: p.Asp746Tyr; replaces aspartic acid 746 with tyrosine.
Molecular consequence: missense variant.
Genome position (GRCh38, 1-based): chr16:68,828,245, G>T. VCF-style: chr16-68828245-G-T. GRCh37 (hg19) VCF-style: chr16-68862148-G-T.
Other names: c.2053G>T, p.Asp685Tyr (NM_001317184.2); c.688G>T, p.Asp230Tyr (NM_001317185.2); c.271G>T, p.Asp91Tyr (NM_001317186.2); short protein forms D685Y, D230Y, D91Y, D746Y.
Identifiers: ClinVar variation 3488684 (VCV003488684.1).

ClinVar aggregate classification (germline): Uncertain significance (1 of 4 stars; one submission).

Conditions:
Hereditary cancer-predisposing syndrome. Also called: Tumor predisposition; Neoplastic Syndromes, Hereditary; Hereditary Cancer Syndrome; Hereditary neoplastic syndrome. Identifiers: Orphanet 140162, MedGen C0027672, MeSH D009386, MONDO:0015356.

Submission:

Ambry Genetics
Classification: Uncertain significance for Hereditary cancer-predisposing syndrome. Last evaluated: 2024-11-28. Review status: criteria provided, single submitter. Criteria: Ambry Variant Classification Scheme 2023. Collection method: clinical testing. Allele origin: germline.
Comment: The p.D746Y variant (also known as c.2236G>T), located in coding exon 14 of the CDH1 gene, results from a G to T substitution at nucleotide position 2236. The aspartic acid at codon 746 is replaced by tyrosine, an amino acid with highly dissimilar properties. This amino acid position is conserved. In addition, this alteration is predicted to be deleterious by in silico analysis. Based on the available evidence, the clinical significance of this variant remains unclear.